The following is an entry in ClinVar:

ClinVar aggregate classification (germline): Uncertain significance. Review status: criteria provided, multiple submitters, no conflicts (2 of 4 stars). 2 submissions from 2 submitters: Uncertain significance (2). Last evaluated 2024-06-11.

Conditions:
Familial thoracic aortic aneurysm and aortic dissection (TAAD). Also called: Thoracic aortic aneurysms and dissections. Identifiers: Orphanet 91387, MedGen C4707243, MONDO:0019625.
Congenital contractural arachnodactyly (CCA). Also called: Beals-Hecht syndrome; BEALS SYNDROME; Arthrogryposis, distal, type 9. Identifiers: Orphanet 115, MedGen C0220668, MONDO:0007363, OMIM 121050.

Allele frequency attached by ClinVar (database versions not stated): TOPMed below 0.00001.
gnomAD v4.1: 18 of 1,614,078 alleles (0.0011%); highest among the groups gnomAD compares: South Asian, 0.014%; no homozygotes.

Submissions (2):

Ambry Genetics
Classification: Uncertain significance for Familial thoracic aortic aneurysm and aortic dissection. Last evaluated: 2024-06-11. Review status: criteria provided, single submitter. Criteria: Ambry Variant Classification Scheme 2023. Collection method: clinical testing. Allele origin: germline.
Comment: The p.R934W variant (also known as c.2800C>T), located in coding exon 21 of the FBN2 gene, results from a C to T substitution at nucleotide position 2800. The arginine at codon 934 is replaced by tryptophan, an amino acid with dissimilar properties. This amino acid position is not well conserved in available vertebrate species. In addition, the in silico prediction for this alteration is inconclusive. Based on the available evidence, the clinical significance of this variant remains unclear.

Labcorp Genetics (formerly Invitae), Labcorp
Classification: Uncertain significance for Congenital contractural arachnodactyly. Last evaluated: 2022-08-16. Review status: criteria provided, single submitter. Criteria: Invitae Variant Classification Sherloc (09022015). Collection method: clinical testing. Allele origin: germline.
Comment: In summary, the available evidence is currently insufficient to determine the role of this variant in disease. Therefore, it has been classified as a Variant of Uncertain Significance. Algorithms developed to predict the effect of sequence changes on RNA splicing suggest that this variant may create or strengthen a splice site. Algorithms developed to predict the effect of missense changes on protein structure and function are either unavailable or do not agree on the potential impact of this missense change (SIFT: "Deleterious"; PolyPhen-2: "Probably Damaging"; Align-GVGD: "Class C0"). This variant has not been reported in the literature in individuals affected with FBN2-related conditions. This variant is not present in population databases (gnomAD no frequency). This sequence change replaces arginine, which is basic and polar, with tryptophan, which is neutral and slightly polar, at codon 934 of the FBN2 protein (p.Arg934Trp).

NM_001999.4(FBN2):c.2800C>T (p.Arg934Trp)

Gene: FBN2 (fibrillin 2; minus strand). Cytogenetic location: 5q23.3.
Variant type: single nucleotide variant.
Coding change: c.2800C>T on transcript NM_001999.4 (MANE Select); coding-DNA position 2800, C replaced by T.
Protein change: p.Arg934Trp; replaces arginine 934 with tryptophan.
Molecular consequence: missense variant.
Genome position (GRCh38, 1-based): chr5:128,350,880, G>A on the plus strand (C>T on the coding strand, the complement: FBN2 is on the minus strand). VCF-style: chr5-128350880-G-A. GRCh37 (hg19) VCF-style: chr5-127686572-G-A.
Other names: c.2800C>T (NM_001999.3); short protein forms R934W.
Identifiers: ClinVar variation 2145600 (VCV002145600.5), dbSNP rs575679542, ClinGen allele CA127022701.